The following is an entry in ClinVar:

ClinVar aggregate classification (germline): Likely benign (0 of 4 stars; one submission).

Conditions:
CD320-related disorder. Also called: CD320-related condition.

Allele frequency attached by ClinVar (database versions not stated): gnomAD 0.00001; TOPMed 0.00002.
gnomAD v4.1: 13 of 1,614,006 alleles (0.00081%); highest among the groups gnomAD compares: Middle Eastern, 0.016%; no homozygotes.

Submission:

PreventionGenetics, part of Exact Sciences
Classification: Likely benign for CD320-related condition. Last evaluated: 2019-06-27. Review status: no assertion criteria provided. Collection method: clinical testing. Allele origin: germline.
Comment: This variant is classified as likely benign based on ACMG/AMP sequence variant interpretation guidelines (Richards et al. 2015 PMID: 25741868, with internal and published modifications).

NM_016579.4(CD320):c.789G>A (p.Gly263=)

Gene: CD320 (CD320 molecule; minus strand). Cytogenetic location: 19p13.2.
Variant type: single nucleotide variant.
Coding change: c.789G>A on transcript NM_016579.4 (MANE Select); coding-DNA position 789, G replaced by A.
Protein change: p.Gly263=; no amino-acid change (glycine 263 retained).
Molecular consequence: synonymous variant.
Genome position (GRCh38, 1-based): chr19:8,302,523, C>T on the plus strand (G>A on the coding strand, the complement: CD320 is on the minus strand). VCF-style: chr19-8302523-C-T. GRCh37 (hg19) VCF-style: chr19-8367407-C-T.
Other names: c.663G>A, p.Gly221= (NM_001165895.2).
Identifiers: ClinVar variation 3043476 (VCV003043476.2), dbSNP rs1006464492, ClinGen allele CA505418280.